The following is an entry in ClinVar:

NM_000171.4(GLRA1):c.889G>A (p.Gly297Ser)

Gene: GLRA1 (glycine receptor alpha 1; minus strand). Cytogenetic location: 5q33.1.
Variant type: single nucleotide variant.
Coding change: c.889G>A on transcript NM_000171.4 (MANE Select); coding-DNA position 889, G replaced by A.
Protein change: p.Gly297Ser; replaces glycine 297 with serine.
Molecular consequence: missense variant.
Genome position (GRCh38, 1-based): chr5:151,851,413, C>T on the plus strand (G>A on the coding strand, the complement: GLRA1 is on the minus strand). VCF-style: chr5-151851413-C-T. GRCh37 (hg19) VCF-style: chr5-151230974-C-T.
Other names: c.889G>A, p.Gly297Ser (NM_001146040.2); c.640G>A, p.Gly214Ser (NM_001292000.2); short protein forms G297S, G214S.
Identifiers: ClinVar variation 574688 (VCV000574688.10), dbSNP rs1561556166, ClinGen allele CA361837343.

ClinVar aggregate classification (germline): Uncertain significance (1 of 4 stars; one submission).

Conditions:
Hereditary hyperekplexia. Identifiers: Orphanet 3197, MedGen C4084968, MONDO:0021022.

Allele frequency attached by ClinVar (database versions not stated): gnomAD exomes below 0.00001; TOPMed below 0.00001; gnomAD 0.00001.
gnomAD v4.1: 5 of 1,613,134 alleles (0.00031%); highest among the groups gnomAD compares: Admixed American, 0.0017%; no homozygotes.

Submission:

Labcorp Genetics (formerly Invitae), Labcorp
Classification: Uncertain significance for Hereditary hyperekplexia. Last evaluated: 2022-08-22. Review status: criteria provided, single submitter. Criteria: Invitae Variant Classification Sherloc (09022015). Collection method: clinical testing. Allele origin: germline.
Comment: This sequence change replaces glycine, which is neutral and non-polar, with serine, which is neutral and polar, at codon 297 of the GLRA1 protein (p.Gly297Ser). In summary, the available evidence is currently insufficient to determine the role of this variant in disease. Therefore, it has been classified as a Variant of Uncertain Significance. Algorithms developed to predict the effect of missense changes on protein structure and function (SIFT, PolyPhen-2, Align-GVGD) all suggest that this variant is likely to be disruptive. ClinVar contains an entry for this variant (Variation ID: 574688). This variant has not been reported in the literature in individuals affected with GLRA1-related conditions. This variant is not present in population databases (gnomAD no frequency).